The following is an entry in ClinVar:

ClinVar aggregate classification (germline): Uncertain significance (1 of 4 stars; one submission).

Allele frequency attached by ClinVar (database versions not stated): gnomAD exomes below 0.00001.
gnomAD v4.1: 1 of 1,614,158 alleles (0.000062%); highest among the groups gnomAD compares: Admixed American, 0.0017%; no homozygotes.

Submission:

Labcorp Genetics (formerly Invitae), Labcorp
Classification: Uncertain significance. Last evaluated: 2021-04-17. Review status: criteria provided, single submitter. Criteria: Invitae Variant Classification Sherloc (09022015). Collection method: clinical testing. Allele origin: germline.
Comment: This sequence change creates a premature translational stop signal (p.Leu406*) in the PDP1 gene. While this is not anticipated to result in nonsense mediated decay, it is expected to disrupt the last 132 amino acid(s) of the PDP1 protein. This variant is not present in population databases (ExAC no frequency). This variant has not been reported in the literature in individuals with PDP1-related conditions. Experimental studies and prediction algorithms are not available or were not evaluated, and the functional significance of this variant is currently unknown. In summary, the available evidence is currently insufficient to determine the role of this variant in disease. Therefore, it has been classified as a Variant of Uncertain Significance.

NM_018444.4(PDP1):c.1217T>A (p.Leu406Ter)

Gene: PDP1 (pyruvate dehydrogenase phosphatase catalytic subunit 1; plus strand). Cytogenetic location: 8q22.1.
Variant type: single nucleotide variant.
Coding change: c.1217T>A on transcript NM_018444.4 (MANE Select); coding-DNA position 1217, T replaced by A.
Protein change: p.Leu406Ter; replaces leucine 406 with a stop codon.
Molecular consequence: nonsense.
Genome position (GRCh38, 1-based): chr8:93,923,276, T>A. VCF-style: chr8-93923276-T-A. GRCh37 (hg19) VCF-style: chr8-94935504-T-A.
Other names: c.1292T>A, p.Leu431Ter (NM_001161779.2, NM_001161780.2); c.1217T>A, p.Leu406Ter (NM_001161781.2); short protein forms L406*, L431*.
Identifiers: ClinVar variation 1411625 (VCV001411625.6), dbSNP rs1162626364, ClinGen allele CA371696259.